The following is an entry in ClinVar:

ClinVar aggregate classification (germline): Uncertain significance. Review status: criteria provided, multiple submitters, no conflicts (2 of 4 stars). 2 submissions from 2 submitters: Uncertain significance (2). Last evaluated 2025-08-23.

Conditions:
Aortic aneurysm, familial thoracic 4 (AAT4). Also called: AORTIC ANEURYSM/AORTIC DISSECTION AND PATENT DUCTUS ARTERIOSUS. Identifiers: MedGen C1851504, MONDO:0007568, OMIM 132900.

gnomAD v4.1: 7 of 1,605,704 alleles (0.00044%); highest among the groups gnomAD compares: African/African-American, 0.0093%; no homozygotes.

Submissions (2):

GeneDx
Classification: Uncertain significance. Last evaluated: 2025-08-23. Review status: criteria provided, single submitter. Criteria: GeneDx Variant Classification Process June 2021. Collection method: clinical testing. Allele origin: germline. Affected: yes.
Comment: Not observed at significant frequency in large population cohorts (gnomAD); In silico analysis suggests that this missense variant does not alter protein structure/function; Has not been previously published as pathogenic or benign to our knowledge; This variant is associated with the following publications: (PMID: 21529752)

Labcorp Genetics (formerly Invitae), Labcorp
Classification: Uncertain significance for Aortic aneurysm, familial thoracic 4. Last evaluated: 2024-06-15. Review status: criteria provided, single submitter. Criteria: Invitae Variant Classification Sherloc (09022015). Collection method: clinical testing. Allele origin: germline.
Comment: This sequence change replaces alanine, which is neutral and non-polar, with valine, which is neutral and non-polar, at codon 1773 of the MYH11 protein (p.Ala1773Val). This variant is present in population databases (rs756955009, gnomAD 0.01%). This variant has not been reported in the literature in individuals affected with MYH11-related conditions. An algorithm developed to predict the effect of missense changes on protein structure and function (PolyPhen-2) suggests that this variant is likely to be tolerated. In summary, the available evidence is currently insufficient to determine the role of this variant in disease. Therefore, it has been classified as a Variant of Uncertain Significance.

NM_002474.3(MYH11):c.5297C>T (p.Ala1766Val)

Genes: NDE1 (nudE neurodevelopment protein 1; plus strand), MYH11 (myosin heavy chain 11; minus strand). Cytogenetic location: 16p13.11.
Variant type: single nucleotide variant.
Coding change: c.5297C>T on transcript NM_002474.3 (MANE Select); coding-DNA position 5297, C replaced by T.
Protein change: p.Ala1766Val; replaces alanine 1766 with valine.
Molecular consequence: missense variant. On other transcripts: intron variant (2).
Genome position (GRCh38, 1-based): chr16:15,717,347, G>A on the plus strand (C>T on the coding strand, the complement: MYH11 is on the minus strand). VCF-style: chr16-15717347-G-A. GRCh37 (hg19) VCF-style: chr16-15811204-G-A.
Other names: c.5318C>T, p.Ala1773Val (NM_001040113.2, NM_001040114.2); c.5297C>T, p.Ala1766Val (NM_022844.3); c.948-6844G>A (NM_001143979.2, NM_017668.3); short protein forms A1766V, A1773V.
Identifiers: ClinVar variation 3702463 (VCV003702463.3).